The following is an entry in ClinVar:

ClinVar aggregate classification (germline): Uncertain significance (1 of 4 stars; one submission).

Conditions:
Inborn genetic diseases. Identifiers: MedGen C0950123, MeSH D030342.

Allele frequency attached by ClinVar (database versions not stated): TOPMed below 0.00001; gnomAD 0.00001; gnomAD exomes 0.00001; ExAC 0.00002.
gnomAD v4.1: 10 of 1,613,778 alleles (0.00062%); highest among the groups gnomAD compares: East Asian, 0.0045%; no homozygotes.

Submission:

Ambry Genetics
Classification: Uncertain significance for Inborn genetic diseases. Last evaluated: 2025-02-21. Review status: criteria provided, single submitter. Criteria: Ambry Variant Classification Scheme 2023. Collection method: clinical testing. Allele origin: germline.
Comment: The p.G232V variant (also known as c.695G>T), located in coding exon 5 of the SBDS gene, results from a G to T substitution at nucleotide position 695. The glycine at codon 232 is replaced by valine, an amino acid with dissimilar properties. This amino acid position is conserved. In addition, this alteration is predicted to be deleterious by in silico analysis. Based on the available evidence, the clinical significance of this variant remains unclear.

NM_016038.4(SBDS):c.695G>T (p.Gly232Val)

Gene: SBDS (SBDS ribosome maturation factor; minus strand). Cytogenetic location: 7q11.21.
Variant type: single nucleotide variant.
Coding change: c.695G>T on transcript NM_016038.4 (MANE Select); coding-DNA position 695, G replaced by T.
Protein change: p.Gly232Val; replaces glycine 232 with valine.
Molecular consequence: missense variant.
Genome position (GRCh38, 1-based): chr7:66,988,429, C>A on the plus strand (G>T on the coding strand, the complement: SBDS is on the minus strand). VCF-style: chr7-66988429-C-A. GRCh37 (hg19) VCF-style: chr7-66453416-C-A.
Other names: short protein forms G232V.
Identifiers: ClinVar variation 2520095 (VCV002520095.3), dbSNP rs762648535, ClinGen allele CA4279106.